The following is an entry in ClinVar:

NM_198253.3(TERT):c.395G>A (p.Arg132Gln)

Gene: TERT (telomerase reverse transcriptase; minus strand). Cytogenetic location: 5p15.33.
Variant type: single nucleotide variant.
Coding change: c.395G>A on transcript NM_198253.3 (MANE Select); coding-DNA position 395, G replaced by A.
Protein change: p.Arg132Gln; replaces arginine 132 with glutamine.
Molecular consequence: missense variant. On other transcripts: non-coding transcript variant (2).
Genome position (GRCh38, 1-based): chr5:1,294,491, C>T on the plus strand (G>A on the coding strand, the complement: TERT is on the minus strand). VCF-style: chr5-1294491-C-T. GRCh37 (hg19) VCF-style: chr5-1294606-C-T.
Other names: c.395G>A, p.Arg132Gln (NM_001193376.3); c.395G>A (NM_198253.2); short protein forms R132Q.
Identifiers: ClinVar variation 1284916 (VCV001284916.5), dbSNP rs2126690021, ClinGen allele CA359058119.
Genomic context (GRCh38, chr5:1,294,491, plus strand): 5'-AGGTGAACCAGCACGTCGTCGCCCACGCGGCGCAGCAGCAGCCCCCACGCCCCGCTCCCC[C>T]GCAGTGCGTCGGTCACCGTGTTGGGCAGGTAGCTGCGCACGCTGGTGGTGAAGGCCTCGG-3'
Protein context (NP_937983.2, residues 122-142): YLPNTVTDAL[Arg132Gln]GSGAWGLLLR

ClinVar aggregate classification (germline): Uncertain significance. Review status: criteria provided, multiple submitters, no conflicts (2 of 4 stars). 4 submissions from 4 submitters: Uncertain significance (2). 2 of the submissions do not count toward it. Last evaluated 2025-10-03.

Conditions:
Dyskeratosis congenita, autosomal dominant 2. Identifiers: MedGen C3151443, MONDO:0013521, OMIM 613989.
Idiopathic Pulmonary Fibrosis. Also called: Idiopathic fibrosing alveolitis, chronic form; idiopathic fibrosing alveolitis. Identifiers: Orphanet 2032, MedGen C1800706, MeSH D054990, MONDO:0800504.

Submissions (4):

Labcorp Genetics (formerly Invitae), Labcorp
Classification: Uncertain significance for Dyskeratosis congenita, autosomal dominant 2; Idiopathic Pulmonary Fibrosis. Last evaluated: 2025-10-03. Review status: criteria provided, single submitter. Criteria: Invitae Variant Classification Sherloc (09022015). Collection method: clinical testing. Allele origin: germline.
Comment: This sequence change replaces arginine, which is basic and polar, with glutamine, which is neutral and polar, at codon 132 of the TERT protein (p.Arg132Gln). This variant is not present in population databases (gnomAD no frequency). This variant has not been reported in the literature in individuals affected with TERT-related conditions. ClinVar contains an entry for this variant (Variation ID: 1284916). Invitae Evidence Modeling of protein sequence and biophysical properties (such as structural, functional, and spatial information, amino acid conservation, physicochemical variation, residue mobility, and thermodynamic stability) indicates that this missense variant is expected to disrupt TERT protein function with a positive predictive value of 95%. In summary, the available evidence is currently insufficient to determine the role of this variant in disease. Therefore, it has been classified as a Variant of Uncertain Significance.

GeneDx
Classification: Uncertain significance. Last evaluated: 2024-12-17. Review status: criteria provided, single submitter. Criteria: GeneDx Variant Classification Process June 2021. Collection method: clinical testing. Allele origin: germline. Affected: yes.
Comment: Not observed at significant frequency in large population cohorts (gnomAD); In silico analysis indicates that this missense variant does not alter protein structure/function; Has not been previously published as pathogenic or benign to our knowledge

Genome Diagnostics Laboratory, University Medical Center Utrecht
Classification: Uncertain significance. Review status: no assertion criteria provided. Collection method: clinical testing. Allele origin: germline. Affected: yes. Study: VKGL Data-share Consensus. Not counted in ClinVar's aggregate classification.

Joint Genome Diagnostic Labs from Nijmegen and Maastricht, Radboudumc and MUMC+
Classification: Uncertain significance. Review status: no assertion criteria provided. Collection method: clinical testing. Allele origin: germline. Affected: yes. Study: VKGL Data-share Consensus. Not counted in ClinVar's aggregate classification.